The following is an entry in ClinVar:

NM_176824.3(BBS7):c.1891-12C>A

Gene: BBS7 (Bardet-Biedl syndrome 7; minus strand). Cytogenetic location: 4q27.
Variant type: single nucleotide variant.
Coding change: c.1891-12C>A on transcript NM_176824.3 (MANE Select); 12 bases into the intron before coding-DNA position 1891, C replaced by A.
Molecular consequence: intron variant.
Genome position (GRCh38, 1-based): chr4:121,828,281, G>T on the plus strand (C>A on the coding strand, the complement: BBS7 is on the minus strand). VCF-style: chr4-121828281-G-T. GRCh37 (hg19) VCF-style: chr4-122749436-G-T.
Other names: c.1891-12C>A (NM_018190.4).
Identifiers: ClinVar variation 262922 (VCV000262922.24), dbSNP rs2706793, ClinGen allele CA3064096.

ClinVar aggregate classification (germline): Benign. Review status: criteria provided, multiple submitters, no conflicts (2 of 4 stars). 11 submissions from 11 submitters: Benign (9). 2 of the submissions do not count toward it. Last evaluated 2026-02-04.

Conditions:
Bardet-Biedl syndrome 1 (BBS1). Identifiers: MedGen C2936862, MONDO:0008854, OMIM 209900. Disease mechanism: loss of function.
Bardet-Biedl syndrome 7 (BBS7). Identifiers: Orphanet 110, MedGen C1859565, MONDO:0014435, OMIM 615984.
Bardet-Biedl syndrome (BBS). Identifiers: Orphanet 110, MedGen C0752166, MONDO:0015229.

Allele frequency attached by ClinVar (database versions not stated): gnomAD exomes 0.73893 and 0.76943; ESP Exome Variant Server 0.77538; gnomAD 0.78989 and 0.79185; TOPMed 0.79241; 1000 Genomes Project 0.81210; 1000 Genomes Project 30x 0.81387.
gnomAD v4.1: 1,196,944 of 1,609,298 alleles (74%); highest among the groups gnomAD compares: African/African-American, 89%; 447,429 homozygotes.

Submissions (12):

Labcorp Genetics (formerly Invitae), Labcorp
Classification: Benign for Bardet-Biedl syndrome. Last evaluated: 2026-02-04. Review status: criteria provided, single submitter. Criteria: Invitae Variant Classification Sherloc (09022015). Collection method: clinical testing. Allele origin: germline.

Women's Health and Genetics/Laboratory Corporation of America, LabCorp
Classification: Benign. Last evaluated: 2025-11-24. Review status: criteria provided, single submitter. Criteria: LabCorp Variant Classification Summary - May 2015. Collection method: clinical testing. Allele origin: germline.
Comment: Variant summary: BBS7 c.1891-12C>A alters a conserved nucleotide located at a position not widely known to affect splicing. Consensus agreement among computation tools predict no significant impact on normal splicing. However, these predictions have yet to be confirmed by functional studies. The variant allele was found at a frequency of 0.77 in 250006 control chromosomes, suggesting that it is the major allele and therefore benign. The observed variant frequency exceeds the estimated maximal expected allele frequency for disease-causing variants in BBS7. To our knowledge, no occurrence of c.1891-12C>A in individuals affected with BBS7-related conditions and no experimental evidence demonstrating its impact on protein function have been reported. ClinVar contains an entry for this variant (Variation ID: 262922). Based on the evidence outlined above, the variant was classified as benign.

Blueprint Genetics
Classification: Benign. Last evaluated: 2024-11-26. Review status: criteria provided, single submitter. Criteria: ACMG Guidelines, 2015. Collection method: clinical testing. Allele origin: germline.

Genome-Nilou Lab
Classification: Benign for Bardet-Biedl syndrome 7. Last evaluated: 2021-07-14. Review status: criteria provided, single submitter. Criteria: ACMG Guidelines, 2015. Collection method: clinical testing. Allele origin: germline. Affected: no.

GeneDx
Classification: Benign. Last evaluated: 2018-11-10. Review status: criteria provided, single submitter. Criteria: GeneDx Variant Classification Process June 2021. Collection method: clinical testing. Allele origin: germline. Affected: yes.

Illumina Laboratory Services, Illumina
Classification: Benign for Bardet-Biedl syndrome 7. Last evaluated: 2018-01-13. Review status: criteria provided, single submitter. Criteria: ICSL Variant Classification Criteria 13 December 2019. Collection method: clinical testing. Allele origin: germline.
Comment: This variant was observed in the ICSL laboratory as part of a predisposition screen in an ostensibly healthy population. It had not been previously curated by ICSL or reported in the Human Gene Mutation Database (HGMD: prior to June 1st, 2018), and was therefore a candidate for classification through an automated scoring system. Utilizing variant allele frequency, disease prevalence and penetrance estimates, and inheritance mode, an automated score was calculated to assess if this variant is too frequent to cause the disease. Based on the score and internal cut-off values, a variant classified as benign is not then subjected to further curation. The score for this variant resulted in a classification of benign for this disease.

Clinical Genetics DNA and cytogenetics Diagnostics Lab, Erasmus MC, Erasmus Medical Center
Classification: Benign for Bardet-Biedl syndrome 1. Last evaluated: 2015-09-21. Review status: criteria provided, single submitter. Criteria: ACGS Guidelines, 2013. Collection method: clinical testing. Allele origin: germline. Affected: yes. Study: VKGL Data-share Consensus.

Breakthrough Genomics
Classification: Benign. Review status: criteria provided, single submitter. Criteria: ACMG Guidelines, 2015. Collection method: not provided. Allele origin: germline. Inheritance: Autosomal recessive inheritance. Affected: yes.

PreventionGenetics, part of Exact Sciences
Classification: Benign. Review status: criteria provided, single submitter. Criteria: ACMG Guidelines, 2015. Collection method: clinical testing. Allele origin: germline.

Diagnostic Laboratory, Department of Genetics, University Medical Center Groningen
Classification: Benign for Bardet-Biedl syndrome 1. Review status: no assertion criteria provided. Collection method: clinical testing. Allele origin: germline. Affected: yes. Study: VKGL Data-share Consensus. Not counted in ClinVar's aggregate classification.

Dr. Peter K. Rogan Lab, Western University
No classification provided (evidence only). Condition: Hepatocellular carcinoma. Review status: no classification provided. Collection method: in vitro. Allele origin: not applicable. Functional consequence: retained intron. Not counted in ClinVar's aggregate classification.

Joint Genome Diagnostic Labs from Nijmegen and Maastricht, Radboudumc and MUMC+
Classification: Benign. Review status: no assertion criteria provided. Collection method: clinical testing. Allele origin: germline. Affected: yes. Study: VKGL Data-share Consensus. Not counted in ClinVar's aggregate classification.